The following is an entry in ClinVar:

ClinVar aggregate classification (germline): Uncertain significance (1 of 4 stars; one submission).

Conditions:
Encephalopathy, acute, infection-induced (herpes-specific), susceptibility to, 1. Also called: Herpes simplex encephalitis, susceptibility to, 1. Identifiers: Orphanet 1930, MedGen C2750180, MONDO:0024563, OMIM 610551.

Submission:

Labcorp Genetics (formerly Invitae), Labcorp
Classification: Uncertain significance for Encephalopathy, acute, infection-induced (herpes-specific), susceptibility to, 1. Last evaluated: 2023-02-11. Review status: criteria provided, single submitter. Criteria: Invitae Variant Classification Sherloc (09022015). Collection method: clinical testing. Allele origin: germline.
Comment: This sequence change replaces alanine, which is neutral and non-polar, with threonine, which is neutral and polar, at codon 519 of the TLR3 protein (p.Ala519Thr). This variant is not present in population databases (gnomAD no frequency). This variant has not been reported in the literature in individuals affected with TLR3-related conditions. Algorithms developed to predict the effect of missense changes on protein structure and function are either unavailable or do not agree on the potential impact of this missense change (SIFT: "Tolerated"; PolyPhen-2: "Probably Damaging"; Align-GVGD: "Class C0"). In summary, the available evidence is currently insufficient to determine the role of this variant in disease. Therefore, it has been classified as a Variant of Uncertain Significance.

NM_003265.3(TLR3):c.1555G>A (p.Ala519Thr)

Gene: TLR3 (toll like receptor 3; plus strand). Cytogenetic location: 4q35.1.
Variant type: single nucleotide variant.
Coding change: c.1555G>A on transcript NM_003265.3 (MANE Select); coding-DNA position 1555, G replaced by A.
Protein change: p.Ala519Thr; replaces alanine 519 with threonine.
Molecular consequence: missense variant.
Genome position (GRCh38, 1-based): chr4:186,083,241, G>A. VCF-style: chr4-186083241-G-A. GRCh37 (hg19) VCF-style: chr4-187004395-G-A.
Other names: short protein forms A519T.
Identifiers: ClinVar variation 2836411 (VCV002836411.3), dbSNP rs2478226789, ClinGen allele CA358932622.